The following is an entry in ClinVar:

ClinVar aggregate classification (germline): Likely benign. Review status: criteria provided, multiple submitters, no conflicts (2 of 4 stars). 2 submissions from 2 submitters: Likely benign (2). Last evaluated 2026-03-01.

Conditions:
Muscular dystrophy-dystroglycanopathy (congenital with brain and eye anomalies), type a, 8 (MDDGA8). Also called: WALKER-WARBURG SYNDROME OR MUSCLE-EYE-BRAIN DISEASE, GTDC2-RELATED. Identifiers: Orphanet 899, MedGen C3553813, MONDO:0013904, OMIM 614830.

Allele frequency attached by ClinVar (database versions not stated): gnomAD 0.00002; TOPMed 0.00004; gnomAD exomes 0.00007 and 0.00016; ExAC 0.00017.

Submissions (2):

CeGaT Center for Human Genetics Tuebingen
Classification: Likely benign. Last evaluated: 2026-03-01. Review status: criteria provided, single submitter. Criteria: CeGaT Center For Human Genetics Tuebingen Variant Classification Criteria Version 2. Collection method: clinical testing. Allele origin: germline. Affected: yes. Observed: 1 variant allele.
Comment: POMGNT2: BP4, BP7

Labcorp Genetics (formerly Invitae), Labcorp
Classification: Likely benign for Muscular dystrophy-dystroglycanopathy (congenital with brain and eye anomalies), type a, 8. Last evaluated: 2025-12-02. Review status: criteria provided, single submitter. Criteria: Invitae Variant Classification Sherloc (09022015). Collection method: clinical testing. Allele origin: germline.

NM_032806.6(POMGNT2):c.1122C>T (p.Tyr374=)

Gene: POMGNT2 (protein O-linked mannose N-acetylglucosaminyltransferase 2 (beta 1,4-); minus strand). Cytogenetic location: 3p22.1.
Variant type: single nucleotide variant.
Coding change: c.1122C>T on transcript NM_032806.6 (MANE Select); coding-DNA position 1122, C replaced by T.
Protein change: p.Tyr374=; no amino-acid change (tyrosine 374 retained).
Molecular consequence: synonymous variant.
Genome position (GRCh38, 1-based): chr3:43,080,310, G>A on the plus strand (C>T on the coding strand, the complement: POMGNT2 is on the minus strand). VCF-style: chr3-43080310-G-A. GRCh37 (hg19) VCF-style: chr3-43121802-G-A.
Identifiers: ClinVar variation 703160 (VCV000703160.15), dbSNP rs777746219, ClinGen allele CA2339926.
Genomic context (GRCh38, chr3:43,080,310, plus strand): 5'-CCGCCAGGCTACATACTGGAGGTCCATGCCAGGCAGCATGGCCAGCGTCTTATAGGGAGT[G>A]TAGTGGTCGGGATTGACAGCATATGGGAAGAGCTCTACCACAGTTGCCCCACGGGGCAGG-3'
Protein context (NP_116195.2, residues 364-384): LFPYAVNPDH[Tyr374=]TPYKTLAMLP